The following is an entry in ClinVar:

ClinVar aggregate classification (germline): Benign/Likely benign. Review status: criteria provided, multiple submitters, no conflicts (2 of 4 stars). 5 submissions from 5 submitters: Benign (2); Likely benign (3). Last evaluated 2025-11-26.

Conditions:
Inborn genetic diseases. Identifiers: MedGen C0950123, MeSH D030342.
Schuurs-Hoeijmakers syndrome. Also called: PACS1-Related Neurodevelopmental Disorder. Identifiers: Orphanet 329224, MedGen C3554343, MONDO:0014006, OMIM 615009.

Allele frequency attached by ClinVar (database versions not stated): gnomAD 0.00007 and 0.00013; TOPMed 0.00009; gnomAD exomes 0.00016 and 0.00027; 1000 Genomes Project 0.00020; ESP Exome Variant Server 0.00023; 1000 Genomes Project 30x 0.00031; ExAC 0.00065.
gnomAD v4.1: 255 of 1,604,544 alleles (0.016%); highest among the groups gnomAD compares: South Asian, 0.17%; 4 homozygotes.

Submissions (5):

Labcorp Genetics (formerly Invitae), Labcorp
Classification: Benign for Schuurs-Hoeijmakers syndrome. Last evaluated: 2025-11-26. Review status: criteria provided, single submitter. Criteria: Invitae Variant Classification Sherloc (09022015). Collection method: clinical testing. Allele origin: germline.

CeGaT Center for Human Genetics Tuebingen
Classification: Likely benign. Last evaluated: 2025-11-01. Review status: criteria provided, single submitter. Criteria: CeGaT Center For Human Genetics Tuebingen Variant Classification Criteria Version 2. Collection method: clinical testing. Allele origin: germline. Affected: yes. Observed: 6 variant alleles.
Comment: PACS1: BP4, BP7

GeneDx
Classification: Benign. Last evaluated: 2020-03-26. Review status: criteria provided, single submitter. Criteria: GeneDx Variant Classification Process June 2021. Collection method: clinical testing. Allele origin: germline. Affected: yes.

Ambry Genetics
Classification: Likely benign for Inborn genetic diseases. Last evaluated: 2017-09-21. Review status: criteria provided, single submitter. Criteria: Ambry Variant Classification Scheme 2023. Collection method: clinical testing. Allele origin: germline.

Genetic Services Laboratory, University of Chicago
Classification: Likely benign. Last evaluated: 2017-02-23. Review status: criteria provided, single submitter. Criteria: ACMG Guidelines, 2015. Collection method: clinical testing. Allele origin: germline. Affected: no.

NM_018026.4(PACS1):c.2454C>T (p.Asp818=)

Gene: PACS1 (phosphofurin acidic cluster sorting protein 1; plus strand). Cytogenetic location: 11q13.2.
Variant type: single nucleotide variant.
Coding change: c.2454C>T on transcript NM_018026.4 (MANE Select); coding-DNA position 2454, C replaced by T.
Protein change: p.Asp818=; no amino-acid change (aspartic acid 818 retained).
Molecular consequence: synonymous variant.
Genome position (GRCh38, 1-based): chr11:66,241,451, C>T. VCF-style: chr11-66241451-C-T. GRCh37 (hg19) VCF-style: chr11-66008922-C-T.
Identifiers: ClinVar variation 436130 (VCV000436130.43), dbSNP rs142615271, ClinGen allele CA6116889.